The following is an entry in ClinVar:

ClinVar aggregate classification (germline): Benign (3 of 4 stars; one submission).

Conditions:
Breast-ovarian cancer, familial, susceptibility to, 1 (BROVCA1). Also called: BRCA1 Hereditary Breast and Ovarian Cancer; OVARIAN CANCER, SUSCEPTIBILITY TO. Identifiers: Orphanet 145, MedGen C2676676, MONDO:0011450, OMIM 604370. Disease mechanism: loss of function.

Allele frequency attached by ClinVar (database versions not stated): gnomAD 0.00739 and 0.01029; TOPMed 0.01268; 1000 Genomes Project 30x 0.04544; 1000 Genomes Project 0.04892.
gnomAD v4.1: 1,546 of 150,728 alleles (1%); highest among the groups gnomAD compares: East Asian, 18%; 99 homozygotes.

Submission:

Evidence-based Network for the Interpretation of Germline Mutant Alleles (ENIGMA)
Classification: Benign for Breast-ovarian cancer, familial 1. Last evaluated: 2015-01-12. Review status: reviewed by expert panel. Criteria: ENIGMA BRCA1/2 Classification Criteria (2015). Collection method: curation. Allele origin: germline.
Comment: Class 1 not pathogenic based on frequency >1% in an outbred sampleset. Frequency 0.1678 (Asian), derived from 1000 genomes (2012-04-30).

NM_007294.4(BRCA1):c.5278-1766A>C

Gene: BRCA1 (BRCA1 DNA repair associated; minus strand). Cytogenetic location: 17q21.31.
Variant type: single nucleotide variant.
Coding change: c.5278-1766A>C on transcript NM_007294.4 (MANE Select); 1766 bases into the intron before coding-DNA position 5278, A replaced by C.
Molecular consequence: intron variant.
Genome position (GRCh38, 1-based): chr17:43,052,883, T>G on the plus strand (A>C on the coding strand, the complement: BRCA1 is on the minus strand). VCF-style: chr17-43052883-T-G. GRCh37 (hg19) VCF-style: chr17-41204900-T-G.
Other names: IVS 20-1766A>C; c.1825-1766A>C (NM_001408458.1, NM_001408461.1, NM_001408464.1 and 7 more transcripts); c.4387-1766A>C (NM_001407967.1); c.4897-1766A>C (NM_001407959.1); c.5011-1766A>C (NM_001407931.1, NM_001407932.1, NM_001407928.1 and 4 more transcripts); c.5134-1766A>C (NM_001407747.1, NM_001407745.1, NM_001407737.1 and 21 more transcripts); c.4894-1766A>C (NM_001407962.1, NM_001407960.1); c.1465-1766A>C (NM_001408512.1); and 75 more.
Identifiers: ClinVar variation 209271 (VCV000209271.2), dbSNP rs117151230, ClinGen allele CA276243.